The following is an entry in ClinVar:

NM_006206.6(PDGFRA):c.1559-20C>T

Gene: PDGFRA (platelet derived growth factor receptor alpha; plus strand). Cytogenetic location: 4q12.
Variant type: single nucleotide variant.
Coding change: c.1559-20C>T on transcript NM_006206.6 (MANE Select); 20 bases into the intron before coding-DNA position 1559, C replaced by T.
Molecular consequence: intron variant.
Genome position (GRCh38, 1-based): chr4:54,274,511, C>T. VCF-style: chr4-54274511-C-T. GRCh37 (hg19) VCF-style: chr4-55140678-C-T.
Other names: c.1634-20C>T (NM_001347828.2); c.1559-20C>T (NM_001347827.2, NM_001347829.2); c.1598-20C>T (NM_001347830.2).
Identifiers: ClinVar variation 4739721 (VCV004739721.2).

ClinVar aggregate classification (germline): Likely benign. Review status: criteria provided, multiple submitters, no conflicts (2 of 4 stars). 2 submissions from 2 submitters: Likely benign (2). Last evaluated 2026-06-15.

Conditions:
Polyps, multiple and recurrent inflammatory fibroid, gastrointestinal. Identifiers: MedGen C5193005, MONDO:0008285, OMIM 175510.
Gastrointestinal stromal tumor. Also called: Gastrointestinal stromal tumor, somatic; Gastrointestinal stroma tumor. Identifiers: Orphanet 44890, MedGen C0238198, MeSH D046152, MONDO:0011719, OMIM 606764, HP:0100723.

Submissions (2):

Myriad Genetics, Inc.
Classification: Likely benign for Polyps, multiple and recurrent inflammatory fibroid, gastrointestinal. Last evaluated: 2026-06-15. Review status: criteria provided, single submitter. Criteria: Myriad Autosomal Dominant, Autosomal Recessive and X-Linked Classification Criteria (2023). Collection method: clinical testing. Allele origin: unknown.
Comment: This variant is considered likely benign. This variant is intronic and is not expected to impact mRNA splicing.

Labcorp Genetics (formerly Invitae), Labcorp
Classification: Likely benign for Gastrointestinal stromal tumor. Last evaluated: 2025-06-17. Review status: criteria provided, single submitter. Criteria: Invitae Variant Classification Sherloc (09022015). Collection method: clinical testing. Allele origin: germline.